The following is an entry in ClinVar:

ClinVar aggregate classification (germline): Conflicting classifications of pathogenicity. Review status: criteria provided, conflicting classifications (1 of 4 stars). 2 submissions from 2 submitters: Likely pathogenic (1); Uncertain significance (1). Last evaluated 2020-11-25.

Conditions:
Long QT syndrome (LQTS). Identifiers: MedGen C0023976, MeSH D008133, MONDO:0002442. Disease mechanism: loss of function. Inheritance: Various modes of inheritance.

Submissions (2):

Labcorp Genetics (formerly Invitae), Labcorp
Classification: Uncertain significance for Long QT syndrome. Last evaluated: 2020-11-25. Review status: criteria provided, single submitter. Criteria: Invitae Variant Classification Sherloc (09022015). Collection method: clinical testing. Allele origin: germline.
Comment: In summary, the available evidence is currently insufficient to determine the role of this variant in disease. Therefore, it has been classified as a Variant of Uncertain Significance. Algorithms developed to predict the effect of missense changes on protein structure and function are either unavailable or do not agree on the potential impact of this missense change (SIFT: "Deleterious"; PolyPhen-2: "Possibly Damaging"; Align-GVGD: "Class C0"). This variant has not been reported in the literature in individuals with KCNQ1-related conditions. ClinVar contains an entry for this variant (Variation ID: 200852). This variant is not present in population databases (ExAC no frequency). This sequence change replaces lysine with asparagine at codon 515 of the KCNQ1 protein (p.Lys515Asn). The lysine residue is moderately conserved and there is a moderate physicochemical difference between lysine and asparagine.

GeneDx
Classification: Likely pathogenic. Last evaluated: 2013-10-25. Review status: criteria provided, single submitter. Criteria: GeneDx Variant Classification (06012015). Collection method: clinical testing. Allele origin: germline. Affected: yes.
Comment: p.Lys515Asn (AAG>AAT): c.1545 G>T in exon 12 of the KCNQ1 gene (NM_000218.2). The Lys515Asn variant in the KCNQ1 gene has not been reported as a disease-causing mutation or as a benign polymorphism to our knowledge. Lys515Asn results in a semi-conservative amino acid substitution of a positively charged Lysine residue with a neutral, polar Asparagine residue at a position that is conserved across species. In silico analysis predicts Lys515Asn is probably damaging to the protein structure/function. Mutations in nearby residues (Ile514Thr, Ile517Thr) have been reported in association with LQTS, further supporting the functional importance of this region of the protein. Furthermore, the Lys515Asn variant was not observed in approximately 6,500 individuals of European and African American ancestry in the NHLBI Exome Sequencing Project, indicating it is not a common benign variant in these populations. In summary, while Lys515Asn is a good candidate for a disease-causing mutation, with the clinical and molecular information available at this time we cannot unequivocally determine the clinical significance of this variant. The variant is found in LQT panel(s).

NM_000218.3(KCNQ1):c.1545G>T (p.Lys515Asn)

Gene: KCNQ1 (potassium voltage-gated channel subfamily Q member 1; plus strand). Cytogenetic location: 11p15.5.
Variant type: single nucleotide variant.
Coding change: c.1545G>T on transcript NM_000218.3 (MANE Select); coding-DNA position 1545, G replaced by T.
Protein change: p.Lys515Asn; replaces lysine 515 with asparagine.
Molecular consequence: missense variant.
Genome position (GRCh38, 1-based): chr11:2,768,874, G>T. VCF-style: chr11-2768874-G-T. GRCh37 (hg19) VCF-style: chr11-2790104-G-T.
Other names: p.K515N:AAG>AAT; c.1449G>T, p.Lys483Asn (NM_001406836.1); c.1275G>T, p.Lys425Asn (NM_001406837.1); c.1005G>T, p.Lys335Asn (NM_001406838.1); c.1164G>T, p.Lys388Asn (NM_181798.2); short protein forms K388N, K515N, K335N, K425N, K483N.
Identifiers: ClinVar variation 200852 (VCV000200852.11), dbSNP rs794728532, ClinGen allele CA005880.